The following is an entry in ClinVar:

NM_004204.5(PIGQ):c.77A>G (p.Glu26Gly)

Gene: PIGQ (phosphatidylinositol glycan anchor biosynthesis class Q; plus strand). Cytogenetic location: 16p13.3.
Variant type: single nucleotide variant.
Coding change: c.77A>G on transcript NM_004204.5 (MANE Select); coding-DNA position 77, A replaced by G.
Protein change: p.Glu26Gly; replaces glutamic acid 26 with glycine.
Molecular consequence: missense variant.
Genome position (GRCh38, 1-based): chr16:574,151, A>G. VCF-style: chr16-574151-A-G. GRCh37 (hg19) VCF-style: chr16-624151-A-G.
Other names: c.77A>G, p.Glu26Gly (NM_148920.4); short protein forms E26G.
Identifiers: ClinVar variation 526280 (VCV000526280.7), dbSNP rs753650660, ClinGen allele CA7779777.

ClinVar aggregate classification (germline): Uncertain significance (1 of 4 stars; one submission).

Conditions:
Epilepsy. Also called: Seizure disorder. Identifiers: MedGen C0014544, MeSH D004827, MONDO:0005027.

Allele frequency attached by ClinVar (database versions not stated): gnomAD 0.00001; gnomAD exomes 0.00001 and 0.00003; TOPMed 0.00001; ExAC 0.00004.

Submission:

Labcorp Genetics (formerly Invitae), Labcorp
Classification: Uncertain significance for Epilepsy. Last evaluated: 2017-11-16. Review status: criteria provided, single submitter. Criteria: Invitae Variant Classification Sherloc (09022015). Collection method: clinical testing. Allele origin: germline.
Comment: This sequence change replaces glutamic acid with glycine at codon 26 of the PIGQ protein (p.Glu26Gly). The glutamic acid residue is weakly conserved and there is a moderate physicochemical difference between glutamic acid and glycine. This variant is present in population databases (rs753650660, ExAC 0.02%). This variant has not been reported in the literature in individuals with PIGQ-related disease. Algorithms developed to predict the effect of missense changes on protein structure and function output the following: SIFT: "Tolerated"; PolyPhen-2: "Benign"; Align-GVGD: "Class C0". The glycine amino acid residue is found in multiple mammalian species, suggesting that this missense change does not adversely affect protein function. These predictions have not been confirmed by published functional studies and their clinical significance is uncertain. In summary, the available evidence is currently insufficient to determine the role of this variant in disease. Therefore, it has been classified as a Variant of Uncertain Significance.